The following is an entry in ClinVar:

NM_001365536.1(SCN9A):c.5149C>T (p.Pro1717Ser)

Genes: SCN1A-AS1 (SCN1A and SCN9A antisense RNA 1; plus strand), SCN9A (sodium voltage-gated channel alpha subunit 9; minus strand). Cytogenetic location: 2q24.3.
Variant type: single nucleotide variant.
Coding change: c.5149C>T on transcript NM_001365536.1 (MANE Select); coding-DNA position 5149, C replaced by T.
Protein change: p.Pro1717Ser; replaces proline 1717 with serine.
Molecular consequence: missense variant.
Genome position (GRCh38, 1-based): chr2:166,199,490, G>A on the plus strand (C>T on the coding strand, the complement: SCN9A is on the minus strand). VCF-style: chr2-166199490-G-A. GRCh37 (hg19) VCF-style: chr2-167056000-G-A.
Other names: c.5116C>T, p.Pro1706Ser (NM_002977.4); short protein forms P1706S, P1717S.
Identifiers: ClinVar variation 5008373 (VCV005008373.1).

ClinVar aggregate classification (germline): Uncertain significance (1 of 4 stars; one submission).

Submission:

GeneDx
Classification: Uncertain significance. Last evaluated: 2026-03-04. Review status: criteria provided, single submitter. Criteria: GeneDx Variant Classification Process June 2021. Collection method: clinical testing. Allele origin: germline.
Comment: Predicted to have high risk of affecting protein function in an in silico study (PMID: 38394191); In silico analysis supports that this missense variant has a deleterious effect on protein structure/function; Not observed at significant frequency in large population cohorts (gnomAD); This variant is associated with the following publications: (PMID: 38394191)